The following is an entry in ClinVar:

ClinVar aggregate classification (germline): Pathogenic (1 of 4 stars; one submission).

Submission:

Athena Diagnostics
Classification: Pathogenic. Last evaluated: 2019-08-12. Review status: criteria provided, single submitter. Criteria: Athena Diagnostics Criteria. Collection method: clinical testing. Allele origin: germline.
Comment: The variant disrupts a glycine residue in the canonical Gly-X-Y repeats of the triple helix domain, which are required for stability and structure of this protein. Therefore it is expected to severely affect the function of the protein. Found in at least one symptomatic patient, and not found in general population data.

Literature cited by the submitters: PubMed 22753364.

NM_000089.4(COL1A2):c.1153G>A (p.Gly385Arg)

Gene: COL1A2 (collagen type I alpha 2 chain; plus strand). Cytogenetic location: 7q21.3.
Variant type: single nucleotide variant.
Coding change: c.1153G>A on transcript NM_000089.4 (MANE Select); coding-DNA position 1153, G replaced by A.
Protein change: p.Gly385Arg; replaces glycine 385 with arginine.
Molecular consequence: missense variant.
Genome position (GRCh38, 1-based): chr7:94,410,483, G>A. VCF-style: chr7-94410483-G-A. GRCh37 (hg19) VCF-style: chr7-94039795-G-A.
Other names: short protein forms G385R.
Identifiers: ClinVar variation 804568 (VCV000804568.1), dbSNP rs1584319922, ClinGen allele CA368221265.